The following is an entry in ClinVar:

NM_000046.5(ARSB):c.1126G>A (p.Val376Met)

Gene: ARSB (arylsulfatase B; minus strand). Cytogenetic location: 5q14.1.
Variant type: single nucleotide variant.
Coding change: c.1126G>A on transcript NM_000046.5 (MANE Select); coding-DNA position 1126, G replaced by A.
Protein change: p.Val376Met; replaces valine 376 with methionine.
Molecular consequence: missense variant.
Genome position (GRCh38, 1-based): chr5:78,885,600, C>T on the plus strand (G>A on the coding strand, the complement: ARSB is on the minus strand). VCF-style: chr5-78885600-C-T. GRCh37 (hg19) VCF-style: chr5-78181423-C-T.
Other names: c.1126G>A, p.Val376Met (NM_198709.3); short protein forms V376M.
Identifiers: ClinVar variation 92351 (VCV000092351.27), dbSNP rs1071598, ClinGen allele CA145650.

ClinVar aggregate classification (germline): Benign. Review status: criteria provided, multiple submitters, no conflicts (2 of 4 stars). 11 submissions from 11 submitters: Benign (8). 3 of the submissions do not count toward it. Last evaluated 2026-02-04.

Conditions:
Mucopolysaccharidosis type 6 (MPS6). Also called: MPS VI; N-ACETYLGALACTOSAMINE-4-SULFATASE DEFICIENCY; MPS 6; Maroteaux Lamy syndrome; ARSB DEFICIENCY; ARYLSULFATASE B DEFICIENCY. Identifiers: Orphanet 583, MedGen C0026709, MONDO:0009661, OMIM 253200.

Allele frequency attached by ClinVar (database versions not stated): TOPMed 0.13690; ExAC 0.14636; gnomAD exomes 0.15259; 1000 Genomes Project 30x 0.11274; 1000 Genomes Project 0.10863; gnomAD 0.12316; ESP Exome Variant Server 0.13701.
gnomAD v4.1: 258,545 of 1,613,742 alleles (16%); highest among the groups gnomAD compares: Middle Eastern, 20%; 22,375 homozygotes.

Submissions (11):

Labcorp Genetics (formerly Invitae), Labcorp
Classification: Benign for Mucopolysaccharidosis type 6. Last evaluated: 2026-02-04. Review status: criteria provided, single submitter. Criteria: Invitae Variant Classification Sherloc (09022015). Collection method: clinical testing. Allele origin: germline.

Blueprint Genetics
Classification: Benign. Last evaluated: 2024-11-26. Review status: criteria provided, single submitter. Criteria: ACMG Guidelines, 2015. Collection method: clinical testing. Allele origin: germline.

Pars Genome Lab
Classification: Benign for Mucopolysaccharidosis type 6. Last evaluated: 2021-06-19. Review status: criteria provided, single submitter. Criteria: ACMG Guidelines, 2015. Collection method: clinical testing. Allele origin: germline. Affected: no.

Illumina Laboratory Services, Illumina
Classification: Benign for Mucopolysaccharidosis type 6. Last evaluated: 2018-01-12. Review status: criteria provided, single submitter. Criteria: ICSL Variant Classification Criteria 13 December 2019. Collection method: clinical testing. Allele origin: germline.
Comment: This variant was observed in the ICSL laboratory as part of a predisposition screen in an ostensibly healthy population. It had not been previously curated by ICSL or reported in the Human Gene Mutation Database (HGMD: prior to June 1st, 2018), and was therefore a candidate for classification through an automated scoring system. Utilizing variant allele frequency, disease prevalence and penetrance estimates, and inheritance mode, an automated score was calculated to assess if this variant is too frequent to cause the disease. Based on the score and internal cut-off values, a variant classified as benign is not then subjected to further curation. The score for this variant resulted in a classification of benign for this disease.

GeneDx
Classification: Benign. Last evaluated: 2016-06-15. Review status: criteria provided, single submitter. Criteria: GeneDx Variant Classification (06012015). Collection method: clinical testing. Allele origin: germline. Affected: yes.
Comment: This variant is considered likely benign or benign based on one or more of the following criteria: it is a conservative change, it occurs at a poorly conserved position in the protein, it is predicted to be benign by multiple in silico algorithms, and/or has population frequency not consistent with disease.

Eurofins Ntd Llc (ga)
Classification: Benign. Last evaluated: 2014-12-19. Review status: criteria provided, single submitter. Criteria: EGL Classification Definitions 2015. Collection method: clinical testing. Allele origin: germline. Observed: 34 variant alleles, 16 heterozygotes, 18 homozygotes.

Breakthrough Genomics
Classification: Benign. Review status: criteria provided, single submitter. Criteria: ACMG Guidelines, 2015. Collection method: not provided. Allele origin: germline. Inheritance: Autosomal recessive inheritance. Affected: yes.

PreventionGenetics, part of Exact Sciences
Classification: Benign. Review status: criteria provided, single submitter. Criteria: ACMG Guidelines, 2015. Collection method: clinical testing. Allele origin: germline.

Mayo Clinic Laboratories, Mayo Clinic
Classification: Benign. Last evaluated: 2015-10-22. Review status: no assertion criteria provided. Collection method: clinical testing. Allele origin: unknown. Not counted in ClinVar's aggregate classification.

Clinical Genetics DNA and cytogenetics Diagnostics Lab, Erasmus MC, Erasmus Medical Center
Classification: Benign. Review status: no assertion criteria provided. Collection method: clinical testing. Allele origin: germline. Affected: yes. Study: VKGL Data-share Consensus. Not counted in ClinVar's aggregate classification.

Diagnostic Laboratory, Department of Genetics, University Medical Center Groningen
Classification: Benign. Review status: no assertion criteria provided. Collection method: clinical testing. Allele origin: germline. Affected: yes. Study: VKGL Data-share Consensus. Not counted in ClinVar's aggregate classification.